The following is an entry in ClinVar:

NM_025114.4(CEP290):c.1448C>T (p.Thr483Ile)

Gene: CEP290 (centrosomal protein 290; minus strand). Cytogenetic location: 12q21.32.
Variant type: single nucleotide variant.
Coding change: c.1448C>T on transcript NM_025114.4 (MANE Select); coding-DNA position 1448, C replaced by T.
Protein change: p.Thr483Ile; replaces threonine 483 with isoleucine.
Molecular consequence: missense variant.
Genome position (GRCh38, 1-based): chr12:88,120,188, G>A on the plus strand (C>T on the coding strand, the complement: CEP290 is on the minus strand). VCF-style: chr12-88120188-G-A. GRCh37 (hg19) VCF-style: chr12-88513965-G-A.
Other names: short protein forms T483I.
Identifiers: ClinVar variation 966726 (VCV000966726.12), dbSNP rs373303674, ClinGen allele CA241151918.
Genomic context (GRCh38, chr12:88,120,188, plus strand): 5'-AGTGCCTCATTTTCATCAAGGAAATCACTGATCTTCAATTCAAGTTTATTGATTTCCTTT[G>A]TTAATATTTCAATCTCTCGATCTCTTATTTTAATTTGGTTTTTACAATTCTTTATTTCAA-3'
Protein context (NP_079390.3, residues 473-493): KIRDREIEIL[Thr483Ile]KEINKLELKI

ClinVar aggregate classification (germline): Uncertain significance. Review status: criteria provided, multiple submitters, no conflicts (2 of 4 stars). 6 submissions from 6 submitters: Uncertain significance (5). 1 of the submissions does not count toward it. Last evaluated 2026-03-18.

Conditions:
Nephronophthisis. Also called: Juvenile Nephronophthisis. Identifiers: Orphanet 655, MedGen C0687120, MONDO:0019005, HP:0000090.
Meckel-Gruber syndrome. Also called: GRUBER SYNDROME; Dysencephalia splachnocystica; DYSENCEPHALIA SPLANCHNOCYSTICA. Identifiers: Orphanet 564, MedGen C0265215, MONDO:0018921.
Joubert syndrome. Also called: Familial aplasia of the vermis; JOUBERT-BOLTSHAUSER SYNDROME. Identifiers: Orphanet 475, MedGen C5979921, MONDO:0018772.
CEP290-related disorder. Also called: CEP290-related condition; CEP290-related disorders. Identifiers: MedGen CN239314.
Leber congenital amaurosis (LCA). Also called: Leber's amaurosis. Identifiers: Orphanet 65, MedGen C0339527, MeSH D057130, MONDO:0018998.
Inborn genetic diseases. Identifiers: MedGen C0950123, MeSH D030342.
Kidney disorder. Also called: renal disease; renal disorder; Nephropathy; Kidney disease; Kidney Diseases. Identifiers: MedGen C0022658, MONDO:0005240, HP:0000112.

Allele frequency attached by ClinVar (database versions not stated): gnomAD exomes 0.00001 and 0.00009; gnomAD 0.00002 and 0.00003; TOPMed 0.00002; 1000 Genomes Project 30x 0.00016; 1000 Genomes Project 0.00020.
gnomAD v4.1: 30 of 1,518,288 alleles (0.002%); highest among the groups gnomAD compares: East Asian, 0.049%; no homozygotes.

Submissions (6):

PreventionGenetics, part of Exact Sciences
Classification: Uncertain significance for CEP290-related condition. Last evaluated: 2026-03-18. Review status: criteria provided, single submitter. Criteria: ACMG Guidelines, 2015. Collection method: clinical testing. Allele origin: germline.
Comment: The CEP290 c.1448C>T variant is predicted to result in the amino acid substitution p.Thr483Ile. To our knowledge, this variant has not been reported in the literature. This variant is reported in 0.12% of alleles in individuals of East Asian descent in gnomAD, which may be too frequent to be a primary cause of disease. Although we suspect that this variant may be benign, the clinical significance of this variant is currently classified as uncertain due to the absence of conclusive functional and genetic evidence.

Ambry Genetics
Classification: Uncertain significance for Inborn genetic diseases. Last evaluated: 2024-03-26. Review status: criteria provided, single submitter. Criteria: Ambry Variant Classification Scheme 2023. Collection method: clinical testing. Allele origin: germline.

Labcorp Genetics (formerly Invitae), Labcorp
Classification: Uncertain significance for Joubert syndrome; Meckel-Gruber syndrome; Nephronophthisis. Last evaluated: 2024-01-29. Review status: criteria provided, single submitter. Criteria: Invitae Variant Classification Sherloc (09022015). Collection method: clinical testing. Allele origin: germline.
Comment: This sequence change replaces threonine, which is neutral and polar, with isoleucine, which is neutral and non-polar, at codon 483 of the CEP290 protein (p.Thr483Ile). This variant is present in population databases (rs373303674, gnomAD 0.1%). This variant has not been reported in the literature in individuals affected with CEP290-related conditions. ClinVar contains an entry for this variant (Variation ID: 966726). Advanced modeling of protein sequence and biophysical properties (such as structural, functional, and spatial information, amino acid conservation, physicochemical variation, residue mobility, and thermodynamic stability) performed at Invitae indicates that this missense variant is not expected to disrupt CEP290 protein function with a negative predictive value of 80%. In summary, the available evidence is currently insufficient to determine the role of this variant in disease. Therefore, it has been classified as a Variant of Uncertain Significance.

Blueprint Genetics
Classification: Uncertain significance. Last evaluated: 2023-05-16. Review status: criteria provided, single submitter. Criteria: ACMG Guidelines, 2015. Collection method: clinical testing. Allele origin: germline.

Genome Diagnostics Laboratory, The Hospital for Sick Children
Classification: Uncertain significance for Kidney disorder. Last evaluated: 2017-05-01. Review status: criteria provided, single submitter. Criteria: ACMG Guidelines, 2015. Collection method: clinical testing. Allele origin: germline.

Natera, Inc.
Classification: Uncertain significance for Leber congenital amaurosis. Last evaluated: 2020-04-17. Review status: no assertion criteria provided. Collection method: clinical testing. Allele origin: germline. Not counted in ClinVar's aggregate classification.